The following is an entry in ClinVar:

ClinVar aggregate classification (germline): Likely pathogenic (1 of 4 stars; one submission).

Allele frequency attached by ClinVar (database versions not stated): gnomAD exomes below 0.00001; ExAC 0.00001; gnomAD 0.00001.
gnomAD v4.1: 2 of 1,613,608 alleles (0.00012%); highest among the groups gnomAD compares: Admixed American, 0.0033%; no homozygotes.

Submission:

Labcorp Genetics (formerly Invitae), Labcorp
Classification: Likely pathogenic. Last evaluated: 2024-05-12. Review status: criteria provided, single submitter. Criteria: Invitae Variant Classification Sherloc (09022015). Collection method: clinical testing. Allele origin: germline.
Comment: This sequence change affects an acceptor splice site in intron 11 of the KMT2A gene. It is expected to disrupt RNA splicing. Variants that disrupt the donor or acceptor splice site typically lead to a loss of protein function (PMID: 16199547), and loss-of-function variants in KMT2A are known to be pathogenic (PMID: 22795537, 25810209, 29574747). This variant is present in population databases (rs781982199, gnomAD 0.003%). This variant has not been reported in the literature in individuals affected with KMT2A-related conditions. Algorithms developed to predict the effect of sequence changes on RNA splicing suggest that this variant may disrupt the consensus splice site. In summary, the currently available evidence indicates that the variant is pathogenic, but additional data are needed to prove that conclusively. Therefore, this variant has been classified as Likely Pathogenic.

Literature cited by the submitters: PubMed 16199547; PubMed 22795537; PubMed 25810209; PubMed 29574747.

NM_001197104.2(KMT2A):c.4480-1G>T

Gene: KMT2A (lysine methyltransferase 2A; plus strand). Cytogenetic location: 11q23.3.
Variant type: single nucleotide variant.
Coding change: c.4480-1G>T on transcript NM_001197104.2 (MANE Select); the canonical splice acceptor site of the intron before coding-DNA position 4480, G replaced by T.
Molecular consequence: splice acceptor variant.
Genome position (GRCh38, 1-based): chr11:118,489,791, G>T. VCF-style: chr11-118489791-G-T. GRCh37 (hg19) VCF-style: chr11-118360506-G-T.
Other names: c.4579-1G>T (NM_001412597.1); c.4480-1G>T (NM_005933.4).
Identifiers: ClinVar variation 2867898 (VCV002867898.3), dbSNP rs781982199, ClinGen allele CA6303887.